The following is an entry in ClinVar:

NM_001042492.3(NF1):c.7458-16T>A

Gene: NF1 (neurofibromin 1; plus strand). Cytogenetic location: 17q11.2.
Variant type: single nucleotide variant.
Coding change: c.7458-16T>A on transcript NM_001042492.3 (MANE Select); 16 bases into the intron before coding-DNA position 7458, T replaced by A.
Molecular consequence: intron variant.
Genome position (GRCh38, 1-based): chr17:31,352,241, T>A. VCF-style: chr17-31352241-T-A. GRCh37 (hg19) VCF-style: chr17-29679259-T-A.
Other names: c.7395-16T>A (NM_000267.4).
Identifiers: ClinVar variation 1959951 (VCV001959951.5), dbSNP rs2508811172, ClinGen allele CA2580093399.

ClinVar aggregate classification (germline): Uncertain significance (1 of 4 stars; one submission).

Conditions:
Neurofibromatosis, type 1 (NF1). Also called: NEUROFIBROMATOSIS, TYPE I, SOMATIC; Peripheral type neurofibromatosis; VON RECKLINGHAUSEN DISEASE; Neurofibromatosis, type I. Identifiers: Orphanet 636, MedGen C0027831, MONDO:0018975, OMIM 162200. Disease mechanism: loss of function.

Submission:

Labcorp Genetics (formerly Invitae), Labcorp
Classification: Uncertain significance for Neurofibromatosis, type 1. Last evaluated: 2022-04-21. Review status: criteria provided, single submitter. Criteria: Invitae Variant Classification Sherloc (09022015). Collection method: clinical testing. Allele origin: germline.
Comment: This variant is not present in population databases (gnomAD no frequency). This sequence change falls in intron 49 of the NF1 gene. It does not directly change the encoded amino acid sequence of the NF1 protein. This variant has been observed in individual(s) with clinical features of neurofibromatosis type 1 (Invitae). Studies have shown that this variant is associated with altered splicing resulting in unknown protein product impact (Invitae). In summary, the available evidence is currently insufficient to determine the role of this variant in disease. Therefore, it has been classified as a Variant of Uncertain Significance.